The following is an entry in ClinVar:

NM_000038.6(APC):c.3837_3845dup (p.1277_1279LSS[3])

Gene: APC (APC regulator of Wnt signaling pathway; plus strand). Cytogenetic location: 5q22.2.
Variant type: Duplication.
Coding change: c.3837_3845dup on transcript NM_000038.6 (MANE Select); coding-DNA positions 3837 to 3845, 9 bases duplicated (TTTGTCATC; older notation c.3837_3845dupTTTGTCATC).
Protein change: p.1277_1279LSS[3].
Molecular consequence: inframe insertion.
Genome position (GRCh38, 1-based): chr5:112,839,431-112,839,439, TTTGTCATC duplicated; duplicating any 9 consecutive bases within chr5:112,839,426-112,839,439 gives the same sequence; the c. name uses the placement nearest the transcript's 3' end. VCF-style (leftmost placement, unchanged base first): chr5-112839425-A-ATCATCTTTG. GRCh37 (hg19) VCF-style: chr5-112175122-A-ATCATCTTTG.
Other names: c.3837_3845dup, p.1277_1279LSS[3] (NM_001127510.3, NM_001354895.2); c.3783_3791dup, p.1259_1261LSS[3] (NM_001127511.3); c.3891_3899dup, p.1295_1297LSS[3] (NM_001354896.2); c.3867_3875dup, p.1287_1289LSS[3] (NM_001354897.2); c.3762_3770dup, p.1252_1254LSS[3] (NM_001354898.2); c.3753_3761dup, p.1249_1251LSS[3] (NM_001354899.2); c.3714_3722dup, p.1236_1238LSS[3] (NM_001354900.2); c.3660_3668dup, p.1218_1220LSS[3] (NM_001354901.2); and 5 more.
Identifiers: ClinVar variation 633041 (VCV000633041.3), dbSNP rs1561587936, ClinGen allele CA913189673.

ClinVar aggregate classification (germline): Uncertain significance. Review status: criteria provided, multiple submitters, no conflicts (2 of 4 stars). 2 submissions from 2 submitters: Uncertain significance (2). Last evaluated 2019-02-28.

Conditions:
Hereditary cancer-predisposing syndrome. Also called: Tumor predisposition; Neoplastic Syndromes, Hereditary; Hereditary neoplastic syndrome; Hereditary Cancer Syndrome. Identifiers: Orphanet 140162, MedGen C0027672, MeSH D009386, MONDO:0015356.

Submissions (2):

Ambry Genetics
Classification: Uncertain significance for Hereditary cancer-predisposing syndrome. Last evaluated: 2019-02-28. Review status: criteria provided, single submitter. Criteria: Ambry Variant Classification Scheme 2023. Collection method: clinical testing. Allele origin: germline.
Comment: The c.3837_3845dupTTTGTCATC variant (also known as p.L1280_S1282dup), located in coding exon 15 of the APC gene, results from an in-frame duplication of TTTGTCATC at nucleotide positions 3837 to 3845. This results in the duplication of 3 amino acid residues (LSS) between codons 1280 and 1282. These amino acid positions are highly conserved in available vertebrate species. Since supporting evidence is limited at this time, the clinical significance of this alteration remains unclear.

Women's Health and Genetics/Laboratory Corporation of America, LabCorp
Classification: Uncertain significance. Last evaluated: 2018-12-04. Review status: criteria provided, single submitter. Criteria: LabCorp Variant Classification Summary - May 2015. Collection method: clinical testing. Allele origin: germline.
Comment: Variant summary: APC c.3837_3845dupTTTGTCATC (p.Leu1280_Ser1282dup) results in an in-frame insertion that is predicted to duplicate three amino acids into the encoded protein. The variant was absent in 30986 control chromosomes. The available data on variant occurrences in the general population are insufficient to allow any conclusion about variant significance. To our knowledge, no occurrence of c.3837_3845dupTTTGTCATC in individuals affected with Familial Adenomatous Polyposis and no experimental evidence demonstrating its impact on protein function have been reported. No clinical diagnostic laboratories have submitted clinical-significance assessments for this variant to ClinVar after 2014. Based on the evidence outlined above, the variant was classified as uncertain significance.